The following is an entry in ClinVar:

ClinVar aggregate classification (germline): Uncertain significance (1 of 4 stars; one submission).

Allele frequency attached by ClinVar (database versions not stated): gnomAD 0.00001; TOPMed 0.00005; ESP Exome Variant Server 0.00008.
gnomAD v4.1: 92 of 1,608,784 alleles (0.0057%); highest among the groups gnomAD compares: Non-Finnish European, 0.0075%; no homozygotes.

Submission:

Labcorp Genetics (formerly Invitae), Labcorp
Classification: Uncertain significance. Last evaluated: 2025-06-08. Review status: criteria provided, single submitter. Criteria: Invitae Variant Classification Sherloc (09022015). Collection method: clinical testing. Allele origin: germline.
Comment: This sequence change replaces proline, which is neutral and non-polar, with leucine, which is neutral and non-polar, at codon 3 of the SNX10 protein (p.Pro3Leu). This variant is present in population databases (rs369562646, gnomAD 0.008%). This variant has not been reported in the literature in individuals affected with SNX10-related conditions. ClinVar contains an entry for this variant (Variation ID: 1351408). An algorithm developed to predict the effect of missense changes on protein structure and function (PolyPhen-2) suggests that this variant is likely to be disruptive. In summary, the available evidence is currently insufficient to determine the role of this variant in disease. Therefore, it has been classified as a Variant of Uncertain Significance.

NM_013322.3(SNX10):c.8C>T (p.Pro3Leu)

Gene: SNX10 (sorting nexin 10; plus strand). Cytogenetic location: 7p15.2.
Variant type: single nucleotide variant.
Coding change: c.8C>T on transcript NM_013322.3 (MANE Select); coding-DNA position 8, C replaced by T.
Protein change: p.Pro3Leu; replaces proline 3 with leucine.
Molecular consequence: missense variant. On other transcripts: 5 prime UTR variant (3).
Genome position (GRCh38, 1-based): chr7:26,346,450, C>T. VCF-style: chr7-26346450-C-T. GRCh37 (hg19) VCF-style: chr7-26386070-C-T.
Other names: c.8C>T, p.Pro3Leu (NM_001199835.1, NM_001318199.3); c.-36C>T (NM_001318198.1, NM_001362754.1); c.-164C>T (NM_001362753.1); short protein forms P3L.
Identifiers: ClinVar variation 1351408 (VCV001351408.4), dbSNP rs369562646, ClinGen allele CA4195127.